The following is an entry in ClinVar:

NM_001018005.2(TPM1):c.*37G>A

Gene: TPM1 (tropomyosin 1; plus strand). Cytogenetic location: 15q22.2.
Variant type: single nucleotide variant.
Coding change: c.*37G>A on transcript NM_001018005.2 (MANE Select); 37 bases downstream of the stop codon, G replaced by A.
Molecular consequence: 3 prime UTR variant. On other transcripts: synonymous variant (2), intron variant (10).
Genome position (GRCh38, 1-based): chr15:63,065,936, G>A. VCF-style: chr15-63065936-G-A. GRCh37 (hg19) VCF-style: chr15-63358135-G-A.
Other names: c.*85G>A (NM_000366.6, NM_001365779.1); c.*37G>A (NM_001301244.2, NM_001330346.2); c.813G>A, p.Ser271= (NM_001365777.1); c.705G>A, p.Ser235= (NM_001365780.1); c.*1790G>A (NM_001365781.2, NM_001365782.1); c.898+3291G>A (NM_001365778.1); c.772+3291G>A (NM_001018020.2, NM_001018007.2, NM_001018006.2 and 2 more transcripts); c.664+3291G>A (NM_001330351.2, NM_001330344.2, NM_001018008.2 and 1 more transcripts).
Identifiers: ClinVar variation 887160 (VCV000887160.10), dbSNP rs201563826, ClinGen allele CA033011.
Genomic context (GRCh38, chr15:63,065,936, plus strand): 5'-ACCTTTTTATCTTCACGCAGATAAGTTTCTTTGCTTCACTTCTCCCAAGACTCCCTCGTC[G>A]AGCTGGATGTCCCACCTCTCTGAGCTCTGCATTTGTCTATTCTCCAGCTGACCCTGGTTC-3'

ClinVar aggregate classification (germline): Uncertain significance. Review status: criteria provided, multiple submitters, no conflicts (2 of 4 stars). 6 submissions from 5 submitters: Uncertain significance (3). 3 of the submissions do not count toward it. Last evaluated 2017-04-27.

Conditions:
Hypertrophic cardiomyopathy 3. Also called: TPM1-Related Familial Hypertrophic Cardiomyopathy. Identifiers: MedGen C1861863, MONDO:0007267, OMIM 115196.
Dilated cardiomyopathy 1Y (CMD1Y). Identifiers: Orphanet 154, Orphanet 54260, MedGen C2678476, MONDO:0012744, OMIM 611878.
TPM1-related disorder. Also called: TPM1-related condition.

Allele frequency attached by ClinVar (database versions not stated): TOPMed 0.00015; 1000 Genomes Project 30x 0.00016; gnomAD 0.00016; 1000 Genomes Project 0.00020; ESP Exome Variant Server 0.00033.
gnomAD v4.1: 328 of 1,606,418 alleles (0.02%); highest among the groups gnomAD compares: Non-Finnish European, 0.027%; no homozygotes.

Submissions (6):

Illumina Laboratory Services, Illumina
Classification: Uncertain significance for Dilated cardiomyopathy 1Y. Last evaluated: 2017-04-27. Review status: criteria provided, single submitter. Criteria: ICSL Variant Classification Criteria 13 December 2019. Collection method: clinical testing. Allele origin: germline.

Illumina Laboratory Services, Illumina
Classification: Uncertain significance for Hypertrophic cardiomyopathy 3. Last evaluated: 2017-04-27. Review status: criteria provided, single submitter. Criteria: ICSL Variant Classification Criteria 13 December 2019. Collection method: clinical testing. Allele origin: germline.

Breakthrough Genomics
Classification: Uncertain significance. Review status: criteria provided, single submitter. Criteria: ACMG Guidelines, 2015. Collection method: not provided. Allele origin: germline. Inheritance: Autosomal dominant inheritance. Affected: yes.

PreventionGenetics, part of Exact Sciences
Classification: Likely benign for TPM1-related condition. Last evaluated: 2020-09-08. Review status: no assertion criteria provided. Collection method: clinical testing. Allele origin: germline. Not counted in ClinVar's aggregate classification.
Comment: This variant is classified as likely benign based on ACMG/AMP sequence variant interpretation guidelines (Richards et al. 2015 PMID: 25741868, with internal and published modifications).

Clinical Genetics DNA and cytogenetics Diagnostics Lab, Erasmus MC, Erasmus Medical Center
Classification: Likely benign. Review status: no assertion criteria provided. Collection method: clinical testing. Allele origin: germline. Affected: yes. Study: VKGL Data-share Consensus. Not counted in ClinVar's aggregate classification.

Joint Genome Diagnostic Labs from Nijmegen and Maastricht, Radboudumc and MUMC+
Classification: Likely benign. Review status: no assertion criteria provided. Collection method: clinical testing. Allele origin: germline. Affected: yes. Study: VKGL Data-share Consensus. Not counted in ClinVar's aggregate classification.